The following is an entry in ClinVar:

NM_000381.4(MID1):c.1444_1447dup (p.Ser483fs)

Gene: MID1 (midline 1; minus strand). Cytogenetic location: Xp22.2.
Variant type: Duplication.
Coding change: c.1444_1447dup on transcript NM_000381.4 (MANE Select); coding-DNA positions 1444 to 1447, 4 bases duplicated (AACA; older notation c.1444_1447dupAACA).
Protein change: p.Ser483fs; shifts the reading frame from serine 483.
Molecular consequence: frameshift variant.
Genome position (GRCh38, 1-based): chrX:10,459,646-10,459,649, TGTT duplicated on the plus strand (AACA on the coding strand, the reverse complement: MID1 is on the minus strand); duplicating any 4 consecutive bases within chrX:10,459,646-10,459,652 gives the same sequence; the c. name uses the placement nearest the transcript's 3' end. VCF-style (leftmost placement, unchanged base first): chrX-10459645-C-CTGTT. GRCh37 (hg19) VCF-style: chrX-10427685-C-CTGTT.
Other names: c.1444_1447dup, p.Ser483fs (NM_001098624.2, NM_001193277.1, NM_001347733.2 and 1 more transcripts); c.1330_1333dup, p.Ser445fs (NM_033289.2); short protein forms S483fs, S445fs.
Identifiers: ClinVar variation 198721 (VCV000198721.11), dbSNP rs797044786, ClinGen allele CA275425.

ClinVar aggregate classification (germline): Pathogenic. Review status: criteria provided, multiple submitters, no conflicts (2 of 4 stars). 4 submissions from 4 submitters: Pathogenic (4). Last evaluated 2024-07-23.

Conditions:
X-linked Opitz G/BBB syndrome (GBBB). Also called: Opitz-Frias syndrome; MID1-Related Opitz G/BBB Syndrome; OPITZ BBBG SYNDROME, TYPE I; OPITZ SYNDROME, X-LINKED; OPITZ-G SYNDROME, TYPE I. Identifiers: Orphanet 2745, MedGen C2936904, MONDO:0010222, OMIM 300000.

Submissions (4):

Labcorp Genetics (formerly Invitae), Labcorp
Classification: Pathogenic. Last evaluated: 2024-07-23. Review status: criteria provided, single submitter. Criteria: Invitae Variant Classification Sherloc (09022015). Collection method: clinical testing. Allele origin: germline.
Comment: This sequence change creates a premature translational stop signal (p.Ser483Lysfs*6) in the MID1 gene. It is expected to result in an absent or disrupted protein product. Loss-of-function variants in MID1 are known to be pathogenic (PMID: 15558842, 17221865, 21326312). This variant is not present in population databases (gnomAD no frequency). This premature translational stop signal has been observed in individual(s) with Opitz GBBB syndrome (PMID: 12545276). This variant is also known as 1445insCAAA. ClinVar contains an entry for this variant (Variation ID: 198721). Algorithms developed to predict the effect of sequence changes on RNA splicing suggest that this variant may disrupt the consensus splice site. For these reasons, this variant has been classified as Pathogenic.

GeneDx
Classification: Pathogenic. Last evaluated: 2021-05-11. Review status: criteria provided, single submitter. Criteria: GeneDx Variant Classification Process June 2021. Collection method: clinical testing. Allele origin: germline. Affected: yes.
Comment: Previously reported as c.1445insCAAA in an individual with Opitz BBB/G syndrome (Winter et al., 2003); Not observed in large population cohorts (Lek et al., 2016); Frameshift variant predicted to result in protein truncation or nonsense mediated decay in a gene for which loss-of-function is a known mechanism of disease; This variant is associated with the following publications: (PMID: 32926417, 25304119, 12545276)

Eurofins Ntd Llc (ga)
Classification: Pathogenic. Last evaluated: 2014-07-14. Review status: criteria provided, single submitter. Criteria: EGL Classification Definitions. Collection method: clinical testing. Allele origin: germline. Observed: 1 variant allele, 1 hemizygote.

Juno Genomics, Hangzhou Juno Genomics, Inc
Classification: Pathogenic for X-linked Opitz G/BBB syndrome. Review status: criteria provided, single submitter. Criteria: ACMG Guidelines, 2015. Collection method: clinical testing. Allele origin: germline. Affected: yes.
Comment: Absent from controls (or at extremely low frequency if recessive) in Genome Aggregation Database, Exome Sequencing Project, 1000 Genomes Project, or Exome Aggregation Consortium.;Null variant in a gene where loss of function (LOF) is a known mechanism of disease.;The prevalence of the variant in affected individuals is significantly increased compared to the prevalence in controls.;Assumed de novo, but without confirmation of paternity and maternity.

Literature cited by the submitters: PubMed 15558842 (cited by Labcorp Genetics (formerly Invitae), Labcorp); PubMed 17221865 (cited by Labcorp Genetics (formerly Invitae), Labcorp); PubMed 21326312 (cited by Labcorp Genetics (formerly Invitae), Labcorp); PubMed 12545276 (cited by Labcorp Genetics (formerly Invitae), Labcorp).